The following is an entry in ClinVar:

ClinVar aggregate classification (germline): Likely benign. Review status: criteria provided, single submitter (1 of 4 stars). 2 submissions from 2 submitters: Likely benign (1). 1 of the submissions does not count toward it. Last evaluated 2023-11-28.

Conditions:
NSMF-related disorder. Also called: NSMF-related condition.

Allele frequency attached by ClinVar (database versions not stated): ExAC 0.00003; gnomAD 0.00005; ESP Exome Variant Server 0.00008; TOPMed 0.00008.
gnomAD v4.1: 65 of 1,612,110 alleles (0.004%); highest among the groups gnomAD compares: Non-Finnish European, 0.0045%; 1 homozygote.

Submissions (2):

Labcorp Genetics (formerly Invitae), Labcorp
Classification: Likely benign. Last evaluated: 2023-11-28. Review status: criteria provided, single submitter. Criteria: Invitae Variant Classification Sherloc (09022015). Collection method: clinical testing. Allele origin: germline.

PreventionGenetics, part of Exact Sciences
Classification: Likely benign for NSMF-related condition. Last evaluated: 2019-08-07. Review status: no assertion criteria provided. Collection method: clinical testing. Allele origin: germline. Not counted in ClinVar's aggregate classification.
Comment: This variant is classified as likely benign based on ACMG/AMP sequence variant interpretation guidelines (Richards et al. 2015 PMID: 25741868, with internal and published modifications).

NM_001130969.3(NSMF):c.1212C>T (p.Ile404=)

Gene: NSMF (NMDA receptor synaptonuclear signaling and neuronal migration factor; minus strand). Cytogenetic location: 9q34.3.
Variant type: single nucleotide variant.
Coding change: c.1212C>T on transcript NM_001130969.3 (MANE Select); coding-DNA position 1212, C replaced by T.
Protein change: p.Ile404=; no amino-acid change (isoleucine 404 retained).
Molecular consequence: synonymous variant.
Genome position (GRCh38, 1-based): chr9:137,452,389, G>A on the plus strand (C>T on the coding strand, the complement: NSMF is on the minus strand). VCF-style: chr9-137452389-G-A. GRCh37 (hg19) VCF-style: chr9-140346841-G-A.
Other names: c.1212C>T (NM_001130969.1); c.1143C>T, p.Ile381= (NM_001130970.2); c.1137C>T, p.Ile379= (NM_001130971.2); c.1122C>T, p.Ile374= (NM_001178064.2); c.1206C>T, p.Ile402= (NM_015537.5, NM_182780.1).
Identifiers: ClinVar variation 2907448 (VCV002907448.5), dbSNP rs371490890, ClinGen allele CA5370127.